The following is an entry in ClinVar:

ClinVar aggregate classification (germline): Benign/Likely benign. Review status: criteria provided, multiple submitters, no conflicts (2 of 4 stars). 4 submissions from 4 submitters: Benign (1); Likely benign (3). Last evaluated 2025-12-09.

Conditions:
Hereditary cancer-predisposing syndrome. Also called: Hereditary neoplastic syndrome; Neoplastic Syndromes, Hereditary; Tumor predisposition; Hereditary Cancer Syndrome. Identifiers: Orphanet 140162, MedGen C0027672, MeSH D009386, MONDO:0015356.
Familial cancer of breast. Also called: BREAST CANCER, FAMILIAL; Hereditary breast cancer; hereditary breast carcinoma. Identifiers: Orphanet 227535, MedGen C0346153, MONDO:0016419, OMIM 114480. Disease mechanism: loss of function.
Ataxia-telangiectasia syndrome (AT). Also called: LOUIS-BAR SYNDROME; Cerebello-oculocutaneous telangiectasia; Immunodeficiency with ataxia telangiectasia; AT, COMPLEMENTATION GROUP C; Ataxia-telangiectasia, complementation group D; ATAXIA-TELANGIECTASIA, COMPLEMENTATION GROUP A. Identifiers: Orphanet 100, MedGen C0004135, MONDO:0008840, OMIM 208900.

Allele frequency attached by ClinVar (database versions not stated): gnomAD exomes below 0.00001.
gnomAD v4.1: 1 of 1,613,856 alleles (0.000062%); highest among the groups gnomAD compares: South Asian, 0.0011%; no homozygotes.

Submissions (4):

Labcorp Genetics (formerly Invitae), Labcorp
Classification: Likely benign for Ataxia-telangiectasia syndrome. Last evaluated: 2025-12-09. Review status: criteria provided, single submitter. Criteria: Invitae Variant Classification Sherloc (09022015). Collection method: clinical testing. Allele origin: germline.

Myriad Genetics, Inc.
Classification: Benign for Familial cancer of breast. Last evaluated: 2024-05-21. Review status: criteria provided, single submitter. Criteria: Myriad Autosomal Dominant, Autosomal Recessive and X-Linked Classification Criteria (2023). Collection method: clinical testing. Allele origin: unknown.
Comment: This variant is considered benign. This variant is a silent/synonymous amino acid change and it is not expected to impact splicing.

GeneDx
Classification: Likely benign. Last evaluated: 2017-08-09. Review status: criteria provided, single submitter. Criteria: GeneDx Variant Classification (06012015). Collection method: clinical testing. Allele origin: germline. Affected: yes.
Comment: This variant is considered likely benign or benign based on one or more of the following criteria: it is a conservative change, it occurs at a poorly conserved position in the protein, it is predicted to be benign by multiple in silico algorithms, and/or has population frequency not consistent with disease.

Ambry Genetics
Classification: Likely benign for Hereditary cancer-predisposing syndrome. Last evaluated: 2016-09-22. Review status: criteria provided, single submitter. Criteria: Ambry Variant Classification Scheme 2023. Collection method: clinical testing. Allele origin: germline.

NM_000051.4(ATM):c.4803T>C (p.Ser1601=)

Gene: ATM (ATM serine/threonine kinase; plus strand). Cytogenetic location: 11q22.3.
Variant type: single nucleotide variant.
Coding change: c.4803T>C on transcript NM_000051.4 (MANE Select); coding-DNA position 4803, T replaced by C.
Protein change: p.Ser1601=; no amino-acid change (serine 1601 retained).
Molecular consequence: synonymous variant.
Genome position (GRCh38, 1-based): chr11:108,294,953, T>C. VCF-style: chr11-108294953-T-C. GRCh37 (hg19) VCF-style: chr11-108165680-T-C.
Other names: c.4803T>C, p.Ser1601= (NM_001351834.2).
Identifiers: ClinVar variation 481195 (VCV000481195.17), dbSNP rs964364958, ClinGen allele CA476674507.